The following is an entry in ClinVar:

ClinVar aggregate classification (germline): Likely pathogenic (1 of 4 stars; one submission).

Conditions:
Autosomal recessive limb-girdle muscular dystrophy type 2J (LGMDR10). Also called: Limb-girdle muscular dystrophy, type 2J; MUSCULAR DYSTROPHY, LIMB-GIRDLE, AUTOSOMAL RECESSIVE 10. Identifiers: Orphanet 140922, MedGen C1837342, MONDO:0012127, OMIM 608807.
Dilated cardiomyopathy 1G (CMD1G). Identifiers: Orphanet 154, MedGen C1858763, MONDO:0011400, OMIM 604145.

Submission:

Labcorp Genetics (formerly Invitae), Labcorp
Classification: Likely pathogenic for Dilated cardiomyopathy 1G; Autosomal recessive limb-girdle muscular dystrophy type 2J. Last evaluated: 2025-06-22. Review status: criteria provided, single submitter. Criteria: Invitae Variant Classification Sherloc (09022015). Collection method: clinical testing. Allele origin: germline.
Comment: This sequence change creates a premature translational stop signal (p.Ile13839Serfs*28) in the TTN gene. While this is not anticipated to result in nonsense mediated decay, it is expected to create a truncated TTN protein. This variant is not present in population databases (gnomAD no frequency). This variant has not been reported in the literature in individuals affected with TTN-related conditions. This variant is located in the I band of TTN (PMID: 25589632). Truncating variants in this region have been reported in individuals affected with autosomal recessive centronuclear myopathy (PMID: 23975875, internal data). Truncating variants in this region have also been identified in individuals affected with autosomal dominant dilated cardiomyopathy and/or cardio-related conditions (PMID: 27869827, 32964742, internal data). In summary, the currently available evidence indicates that the variant is pathogenic, but additional data are needed to prove that conclusively. Therefore, this variant has been classified as Likely Pathogenic.

Literature cited by the submitters: PubMed 25589632; PubMed 23975875; PubMed 27869827; PubMed 32964742.

NM_001267550.2(TTN):c.41514del (p.Ile13839fs)

Gene: TTN (titin; minus strand). Cytogenetic location: 2q31.2.
Variant type: Deletion.
Coding change: c.41514del on transcript NM_001267550.2 (MANE Select); coding-DNA position 41514, one base deleted (C; older notation c.41514delC).
Protein change: p.Ile13839fs; shifts the reading frame from isoleucine 13839.
Molecular consequence: frameshift variant.
Genome position (GRCh38, 1-based): chr2:178,636,057, G deleted on the plus strand (C on the coding strand, the reverse complement: TTN is on the minus strand); the first of 2 consecutive G bases (chr2:178,636,057-178,636,058); deleting either gives the same sequence. VCF-style (leftmost placement, unchanged base first): chr2-178636056-TG-T. GRCh37 (hg19) VCF-style: chr2-179500783-TG-T.
Other names: c.36591del, p.Ile12198fs (NM_001256850.1); c.14319del, p.Ile4774fs (NM_003319.4); c.33810del, p.Ile11271fs (NM_133378.4); c.14694del, p.Ile4899fs (NM_133432.3); c.14895del, p.Ile4966fs (NM_133437.4); short protein forms I13839fs, I4774fs, I4966fs, I12198fs, I4899fs, I11271fs.
Identifiers: ClinVar variation 4784762 (VCV004784762.1).
Genomic context (GRCh38, chr2:178,636,056, plus strand): 5'-TGTTGGCGTTTTCCACAGTAACTGTGTATGTTCCAGCATCTGTGTCATCTGCATCGTTGA[TG>T]GTCAGAGCCCGCATCAAGCCAATGACGCCTGGCACAATTCGGCCAGGTTTCTCCACCACA-3'